The following is an entry in ClinVar:

NM_000132.4(F8):c.6742T>G (p.Trp2248Gly)

Gene: F8 (coagulation factor VIII; minus strand). Cytogenetic location: Xq28.
Variant type: single nucleotide variant.
Coding change: c.6742T>G on transcript NM_000132.4 (MANE Select); coding-DNA position 6742, T replaced by G.
Protein change: p.Trp2248Gly; replaces tryptophan 2248 with glycine.
Molecular consequence: missense variant.
Genome position (GRCh38, 1-based): chrX:154,860,590, A>C on the plus strand (T>G on the coding strand, the complement: F8 is on the minus strand). VCF-style: chrX-154860590-A-C. GRCh37 (hg19) VCF-style: chrX-154088865-A-C.
Other names: c.337T>G, p.Trp113Gly (NM_019863.3); short protein forms W113G, W2248G.
Identifiers: ClinVar variation 2920957 (VCV002920957.1), dbSNP rs1226940708, ClinGen allele CA414904768.

ClinVar aggregate classification (germline): Pathogenic (1 of 4 stars; one submission).

Submission:

ARUP Laboratories, Molecular Genetics and Genomics, ARUP Laboratories
Classification: Pathogenic. Last evaluated: 2023-01-24. Review status: criteria provided, single submitter. Criteria: ARUP Molecular Germline Variant Investigation Process 2024. Collection method: clinical testing. Allele origin: germline.
Comment: The F8 c.6742T>G; p.Trp2248Gly variant, to our knowledge, is not reported in the medical literature or gene specific databases. This variant is also absent from the Genome Aggregation Database, indicating it is not a common polymorphism. Computational analyses predict that this variant is deleterious (REVEL: 0.936). Additionally, other variants at this codon (c.6742T>A, p.Trp2248Arg; c.6742T>C, p.Trp2248Arg; c.6743G>C p.Trp2248Ser; c.6744G>T, p. Trp2248Cys) have been reported in individuals with mild to severe hemophilia A (Diamond 1992,Markoff 2009, Santacroce 2008, Shinozawa 2021, Yenchitsomanus 2003). Based on available information, the p.Trp2248Gly variant is considered to be likely pathogenic. References: Diamond C et al. Amino acid substitutions in conserved domains of factor VIII and related proteins: study of patients with mild and moderately severe hemophilia A. Hum Mutat. 1992;1(3):248-57. PMID: 1301932. Markoff A et al. Combined homology modelling and evolutionary significance evaluation of missense mutations in blood clotting factor VIII to highlight aspects of structure and function. Haemophilia. 2009 Jul;15(4):932-41. PMID: 19473423. Santacroce R et al. Identification of 217 unreported mutations in the F8 gene in a group of 1,410 unselected Italian patients with hemophilia A. J Hum Genet. 2008;53(3):275-284. PMID: 18217193. Shinozawa K et al. Spectrum of F8 Genotype and Genetic Impact on Inhibitor Development in Patients with Hemophilia A from Multicenter Cohort Studies (J-HIS) in Japan. Thromb Haemost. 2021 May;121(5):603-615. PMID: 33254277. Yenchitsomanus P et al. Genotype and phenotype of haemophilia A in Thai patients. Haemophilia. 2003 Mar;9(2):179-86. PMID: 12614369.